The following is an entry in ClinVar:

ClinVar aggregate classification (germline): Conflicting classifications of pathogenicity. Review status: criteria provided, conflicting classifications (1 of 4 stars). 6 submissions from 6 submitters: Uncertain significance (5); Likely benign (1). Last evaluated 2026-01-22.

Conditions:
Inborn genetic diseases. Identifiers: MedGen C0950123, MeSH D030342.
Facioscapulohumeral muscular dystrophy 2 (FSHD2). Also called: MUSCULAR DYSTROPHY, FACIOSCAPULOHUMERAL, TYPE 1B; FACIOSCAPULOHUMERAL MUSCULAR DYSTROPHY 2, DIGENIC; FSHD2, DIGENIC. Identifiers: Orphanet 269, MedGen C1834671, MONDO:0008031, OMIM 158901.

Allele frequency attached by ClinVar (database versions not stated): TOPMed 0.00003; gnomAD 0.00004; gnomAD exomes 0.00015.
gnomAD v4.1: 216 of 1,582,948 alleles (0.014%); highest among the groups gnomAD compares: Non-Finnish European, 0.018%; no homozygotes.

Submissions (6):

Labcorp Genetics (formerly Invitae), Labcorp
Classification: Uncertain significance for Facioscapulohumeral muscular dystrophy 2. Last evaluated: 2026-01-22. Review status: criteria provided, single submitter. Criteria: Invitae Variant Classification Sherloc (09022015). Collection method: clinical testing. Allele origin: germline.
Comment: This sequence change replaces arginine, which is basic and polar, with histidine, which is basic and polar, at codon 158 of the SMCHD1 protein (p.Arg158His). This variant is present in population databases (rs531460906, gnomAD 0.01%). This variant has not been reported in the literature in individuals affected with SMCHD1-related conditions. ClinVar contains an entry for this variant (Variation ID: 290028). Invitae Evidence Modeling of protein sequence and biophysical properties (such as structural, functional, and spatial information, amino acid conservation, physicochemical variation, residue mobility, and thermodynamic stability) indicates that this missense variant is not expected to disrupt SMCHD1 protein function with a negative predictive value of 80%. In summary, the available evidence is currently insufficient to determine the role of this variant in disease. Therefore, it has been classified as a Variant of Uncertain Significance.

Ambry Genetics
Classification: Uncertain significance for Inborn genetic diseases. Last evaluated: 2025-12-04. Review status: criteria provided, single submitter. Criteria: Ambry Variant Classification Scheme 2023. Collection method: clinical testing. Allele origin: germline.

Revvity Omics, Revvity
Classification: Uncertain significance. Last evaluated: 2025-04-24. Review status: criteria provided, single submitter. Criteria: ACMG Guidelines, 2015. Collection method: clinical testing. Allele origin: germline.

Blueprint Genetics
Classification: Likely benign. Last evaluated: 2023-09-22. Review status: criteria provided, single submitter. Criteria: ACMG Guidelines, 2015. Collection method: clinical testing. Allele origin: germline.

Eurofins Ntd Llc (ga)
Classification: Uncertain significance. Last evaluated: 2018-08-29. Review status: criteria provided, single submitter. Criteria: EGL ClinVar v180209 classification definitions. Collection method: clinical testing. Allele origin: germline. Observed: 2 variant alleles, 2 heterozygotes.

Athena Diagnostics
Classification: Uncertain significance. Last evaluated: 2017-01-18. Review status: criteria provided, single submitter. Criteria: Athena Diagnostics Criteria. Collection method: clinical testing. Allele origin: germline.

NM_015295.3(SMCHD1):c.473G>A (p.Arg158His)

Gene: SMCHD1 (structural maintenance of chromosomes flexible hinge domain containing 1; plus strand). Cytogenetic location: 18p11.32.
Variant type: single nucleotide variant.
Coding change: c.473G>A on transcript NM_015295.3 (MANE Select); coding-DNA position 473, G replaced by A.
Protein change: p.Arg158His; replaces arginine 158 with histidine.
Molecular consequence: missense variant.
Genome position (GRCh38, 1-based): chr18:2,673,329, G>A. VCF-style: chr18-2673329-G-A. GRCh37 (hg19) VCF-style: chr18-2673328-G-A.
Other names: short protein forms R158H.
Identifiers: ClinVar variation 290028 (VCV000290028.17), dbSNP rs531460906, ClinGen allele CA8870557.
Genomic context (GRCh38, chr18:2,673,329, plus strand): 5'-GATCTCTTGCAGCATTTGCTCTTGCGGAATTAATTGACAATTCATTGTCTGCTACTTCTC[G>A]TAACATTGGGGTTAGAAGAATACAGATCAAATTGGTAAGGAAATAATACTGTAAAGCAAT-3'
Protein context (NP_056110.2, residues 148-168): LIDNSLSATS[Arg158His]NIGVRRIQIK